The following is an entry in ClinVar:

ClinVar aggregate classification (germline): Uncertain significance. Review status: criteria provided, multiple submitters, no conflicts (2 of 4 stars). 2 submissions from 2 submitters: Uncertain significance (2). Last evaluated 2024-04-16.

Conditions:
Marfan syndrome (MFS). Also called: MARFAN SYNDROME, TYPE I; Marfan syndrome type 1; Marfan's syndrome; Marfan syndrome, classic; FBN1-Related Marfan Syndrome. Identifiers: Orphanet 284963, Orphanet 558, MedGen C0024796, MONDO:0007947, OMIM 154700.
Familial thoracic aortic aneurysm and aortic dissection (TAAD). Also called: Thoracic aortic aneurysms and dissections. Identifiers: Orphanet 91387, MedGen C4707243, MONDO:0019625.

Allele frequency attached by ClinVar (database versions not stated): gnomAD exomes below 0.00001.
gnomAD v4.1: 1 of 1,614,196 alleles (0.000062%); highest among the groups gnomAD compares: Non-Finnish European, 0.000085%; no homozygotes.

Submissions (2):

All of Us Research Program, National Institutes of Health
Classification: Uncertain significance for Marfan syndrome. Last evaluated: 2024-04-16. Review status: criteria provided, single submitter. Criteria: ACMG Guidelines, 2015. Collection method: clinical testing. Allele origin: germline. Inheritance: Autosomal dominant inheritance. Observed: 1 variant allele, 1 heterozygote.
Comment: This missense variant replaces phenylalanine with leucine at codon 1227 of the FBN1 protein. Computational prediction is inconclusive regarding the impact of this variant on protein structure and function (internally defined REVEL score threshold 0.5 < inconclusive < 0.7, PMID: 27666373). To our knowledge, functional studies have not been reported for this variant. This variant has not been reported in individuals affected with FBN1-related disorders in the literature. This variant has not been identified in the general population by the Genome Aggregation Database (gnomAD). The available evidence is insufficient to determine the role of this variant in disease conclusively. Therefore, this variant is classified as a Variant of Uncertain Significance.

This study involves interpretation of variants in research participants for the purpose of population health screening. Participant phenotype was not available at the time of variant classification. Additional details can be found in publication PMID: 35346344, PMCID: PMC8962531

Labcorp Genetics (formerly Invitae), Labcorp
Classification: Uncertain significance for Marfan syndrome; Familial thoracic aortic aneurysm and aortic dissection. Last evaluated: 2021-10-21. Review status: criteria provided, single submitter. Criteria: Invitae Variant Classification Sherloc (09022015). Collection method: clinical testing. Allele origin: germline.
Comment: This sequence change replaces phenylalanine with leucine at codon 1227 of the FBN1 protein (p.Phe1227Leu). The phenylalanine residue is moderately conserved and there is a small physicochemical difference between phenylalanine and leucine. This variant is not present in population databases (ExAC no frequency). This variant has not been reported in the literature in individuals affected with FBN1-related conditions. Algorithms developed to predict the effect of missense changes on protein structure and function are either unavailable or do not agree on the potential impact of this missense change (SIFT: "Deleterious"; PolyPhen-2: "Possibly Damaging"; Align-GVGD: "Class C0"). In summary, the available evidence is currently insufficient to determine the role of this variant in disease. Therefore, it has been classified as a Variant of Uncertain Significance.

NM_000138.5(FBN1):c.3681T>G (p.Phe1227Leu)

Gene: FBN1 (fibrillin 1; minus strand). Cytogenetic location: 15q21.1.
Variant type: single nucleotide variant.
Coding change: c.3681T>G on transcript NM_000138.5 (MANE Select); coding-DNA position 3681, T replaced by G.
Protein change: p.Phe1227Leu; replaces phenylalanine 1227 with leucine.
Molecular consequence: missense variant.
Genome position (GRCh38, 1-based): chr15:48,485,405, A>C on the plus strand (T>G on the coding strand, the complement: FBN1 is on the minus strand). VCF-style: chr15-48485405-A-C. GRCh37 (hg19) VCF-style: chr15-48777602-A-C.
Other names: short protein forms F1227L.
Identifiers: ClinVar variation 1440223 (VCV001440223.4), dbSNP rs2043497341, ClinGen allele CA392324359.